The following is an entry in ClinVar:

NM_004456.5(EZH2):c.892C>T (p.Arg298Cys)

Gene: EZH2 (enhancer of zeste 2 polycomb repressive complex 2 subunit; minus strand). Cytogenetic location: 7q36.1.
Variant type: single nucleotide variant.
Coding change: c.892C>T on transcript NM_004456.5 (MANE Select); coding-DNA position 892, C replaced by T.
Protein change: p.Arg298Cys; replaces arginine 298 with cysteine.
Molecular consequence: missense variant.
Genome position (GRCh38, 1-based): chr7:148,826,469, G>A on the plus strand (C>T on the coding strand, the complement: EZH2 is on the minus strand). VCF-style: chr7-148826469-G-A. GRCh37 (hg19) VCF-style: chr7-148523561-G-A.
Other names: c.892C>T, p.Pro298Ser (NM_001203247.2); c.865C>T, p.Pro289Ser (NM_001203248.2, NM_001203249.2); c.775C>T, p.Pro259Ser (NM_152998.3); short protein forms P259S, P289S, P298S, R298C.
Identifiers: ClinVar variation 1313078 (VCV001313078.2), dbSNP rs2129475479, ClinGen allele CA369719075.
Genomic context (GRCh38, chr7:148,826,469, plus strand): 5'-CTTTAAAACATAATTCCACAACAAAGATAGAAAATGAAAACGTACAATAATTGCACTTAC[G>A]ATGTAGGAAGCAGTCATATTTAAAACATCGCCTACAGAAAAGCGTATGAAAGGAGTGTAA-3'
Protein context (NP_004447.2, residues 288-308): RCFKYDCFLH[Arg298Cys]KCNYSFHATP

ClinVar aggregate classification (germline): Uncertain significance (1 of 4 stars; one submission).

Allele frequency attached by ClinVar (database versions not stated): gnomAD exomes below 0.00001.
gnomAD v4.1: 2 of 1,576,672 alleles (0.00013%); highest among the groups gnomAD compares: Non-Finnish European, 0.000086%; no homozygotes.

Submission:

GeneDx
Classification: Uncertain significance. Last evaluated: 2020-07-21. Review status: criteria provided, single submitter. Criteria: GeneDx Variant Classification Process June 2021. Collection method: clinical testing. Allele origin: germline. Affected: yes.
Comment: Not observed in large population cohorts (Lek et al., 2016); In silico analysis supports that this missense variant has a deleterious effect on protein structure/function; In-silico analysis, which includes splice predictors and evolutionary conservation, is inconclusive as to whether the variant alters gene splicing. In the absence of RNA/functional studies, the actual effect of this sequence change is unknown.; Has not been previously published as pathogenic or benign to our knowledge